The following is an entry in ClinVar:

ClinVar aggregate classification (germline): Pathogenic (1 of 4 stars; one submission).

Submission:

Labcorp Genetics (formerly Invitae), Labcorp
Classification: Pathogenic. Last evaluated: 2022-09-02. Review status: criteria provided, single submitter. Criteria: Invitae Variant Classification Sherloc (09022015). Collection method: clinical testing. Allele origin: germline.
Comment: For these reasons, this variant has been classified as Pathogenic. This variant has not been reported in the literature in individuals affected with FBXL4-related conditions. This variant is a gross deletion of the genomic region encompassing exon(s) 3-6 of the FBXL4 gene, which includes the initiator codon. This deletion extends beyond the assayed region for this gene and therefore may encompass additional genes. It is expected to result in an absent or disrupted protein product. Loss-of-function variants in FBXL4 are known to be pathogenic (PMID: 23993193, 23993194, 25868664).

Literature cited by the submitters: PubMed 23993193; PubMed 23993194; PubMed 25868664.

NC_000006.11:g.(?_99347124)_(99374864_?)del

Gene: FBXL4 (F-box and leucine rich repeat protein 4; minus strand). Cytogenetic location: 6q16.1.
Variant type: Deletion.
Identifiers: ClinVar variation 1453801 (VCV001453801.5).